The following is an entry in ClinVar:

ClinVar aggregate classification (germline): Uncertain significance. Review status: criteria provided, multiple submitters, no conflicts (2 of 4 stars). 2 submissions from 2 submitters: Uncertain significance (2). Last evaluated 2024-12-09.

Conditions:
Cryopyrin associated periodic syndrome (CAPS). Identifiers: Orphanet 208650, MedGen C2316212, MONDO:0016168.

gnomAD v4.1: 2 of 1,614,030 alleles (0.00012%); highest among the groups gnomAD compares: Non-Finnish European, 0.00017%; no homozygotes.

Submissions (2):

Labcorp Genetics (formerly Invitae), Labcorp
Classification: Uncertain significance for Cryopyrin associated periodic syndrome. Last evaluated: 2024-12-09. Review status: criteria provided, single submitter. Criteria: Invitae Variant Classification Sherloc (09022015). Collection method: clinical testing. Allele origin: germline.
Comment: This sequence change replaces lysine, which is basic and polar, with glutamic acid, which is acidic and polar, at codon 510 of the NLRP3 protein (p.Lys510Glu). This variant is present in population databases (no rsID available, gnomAD 0.0009%). This variant has not been reported in the literature in individuals affected with NLRP3-related conditions. Invitae Evidence Modeling of protein sequence and biophysical properties (such as structural, functional, and spatial information, amino acid conservation, physicochemical variation, residue mobility, and thermodynamic stability) indicates that this missense variant is expected to disrupt NLRP3 protein function with a positive predictive value of 80%. In summary, the available evidence is currently insufficient to determine the role of this variant in disease. Therefore, it has been classified as a Variant of Uncertain Significance.

Blueprint Genetics
Classification: Uncertain significance. Last evaluated: 2023-10-20. Review status: criteria provided, single submitter. Criteria: ACMG Guidelines, 2015. Collection method: clinical testing. Allele origin: germline.

NM_001243133.2(NLRP3):c.1522A>G (p.Lys508Glu)

Gene: NLRP3 (NLR family pyrin domain containing 3; plus strand). Cytogenetic location: 1q44.
Variant type: single nucleotide variant.
Coding change: c.1522A>G on transcript NM_001243133.2 (MANE Select); coding-DNA position 1522, A replaced by G.
Protein change: p.Lys508Glu; replaces lysine 508 with glutamic acid.
Molecular consequence: missense variant.
Genome position (GRCh38, 1-based): chr1:247,424,971, A>G. VCF-style: chr1-247424971-A-G. GRCh37 (hg19) VCF-style: chr1-247588273-A-G.
Other names: c.1522A>G, p.Lys508Glu (NM_001079821.3, NM_001127461.3, NM_001127462.3 and 1 more transcripts); c.1528A>G, p.Lys510Glu (NM_004895.5); short protein forms K510E, K508E.
Identifiers: ClinVar variation 3695955 (VCV003695955.3).
Genomic context (GRCh38, chr1:247,424,971, plus strand): 5'-AGGAATCATGGACTGCAGAAGGCGGATGTGTCTGCTTTCCTGAGGATGAACCTGTTCCAA[A>G]AGGAAGTGGACTGCGAGAAGTTCTACAGCTTCATCCACATGACTTTCCAGGAGTTCTTTG-3'
Protein context (NP_001230062.1, residues 498-518): SAFLRMNLFQ[Lys508Glu]EVDCEKFYSF